The following is an entry in ClinVar:

NM_002087.4(GRN):c.497C>T (p.Pro166Leu)

Gene: GRN (granulin precursor; plus strand). Cytogenetic location: 17q21.31.
Variant type: single nucleotide variant.
Coding change: c.497C>T on transcript NM_002087.4 (MANE Select); coding-DNA position 497, C replaced by T.
Protein change: p.Pro166Leu; replaces proline 166 with leucine.
Molecular consequence: missense variant.
Genome position (GRCh38, 1-based): chr17:44,350,476, C>T. VCF-style: chr17-44350476-C-T. GRCh37 (hg19) VCF-style: chr17-42427844-C-T.
Other names: short protein forms P166L.
Identifiers: ClinVar variation 323533 (VCV000323533.11), dbSNP rs368705304, ClinGen allele CA8601917.
Genomic context (GRCh38, chr17:44,350,476, plus strand): 5'-ACGGAGTCAGGACCATTTTTTCTCAGGCTTCCTGCTGTGAAGACAGGGTGCACTGCTGTC[C>T]GCACGGTGCCTTCTGCGACCTGGTTCACACCCGCTGCATCACACCCACGGGCACCCACCC-3'
Protein context (NP_002078.1, residues 156-176): SCCEDRVHCC[Pro166Leu]HGAFCDLVHT

ClinVar aggregate classification (germline): Uncertain significance. Review status: criteria provided, multiple submitters, no conflicts (2 of 4 stars). 3 submissions from 3 submitters: Uncertain significance (3). Last evaluated 2025-09-02.

Conditions:
GRN-related frontotemporal lobar degeneration with Tdp43 inclusions (FTD2). Also called: DEMENTIA, HEREDITARY DYSPHASIC DISINHIBITION; FRONTOTEMPORAL LOBAR DEGENERATION WITH UBIQUITIN-POSITIVE INCLUSIONS; FTLD-TDP, GRN-RELATED; GRN Frontotemporal Dementia; FRONTOTEMPORAL DEMENTIA WITH TDP43 INCLUSIONS, GRN-RELATED. Identifiers: Orphanet 100070, Orphanet 282, MedGen C1843792, MONDO:0011842, OMIM 607485. Disease mechanism: loss of function.
Neuronal ceroid lipofuscinosis 11. Also called: GRN-Related Neuronal Ceroid-Lipofuscinosis. Identifiers: Orphanet 314629, Orphanet 79262, MedGen C3539123, MONDO:0013866, OMIM 614706.

Allele frequency attached by ClinVar (database versions not stated): gnomAD exomes 0.00003 and 0.00006; ESP Exome Variant Server 0.00008; gnomAD 0.00009; TOPMed 0.00010.

Submissions (3):

Labcorp Genetics (formerly Invitae), Labcorp
Classification: Uncertain significance for Neuronal ceroid lipofuscinosis 11; GRN-related frontotemporal lobar degeneration with Tdp43 inclusions. Last evaluated: 2025-09-02. Review status: criteria provided, single submitter. Criteria: Invitae Variant Classification Sherloc (09022015). Collection method: clinical testing. Allele origin: germline.
Comment: This sequence change replaces proline, which is neutral and non-polar, with leucine, which is neutral and non-polar, at codon 166 of the GRN protein (p.Pro166Leu). This variant is present in population databases (rs368705304, gnomAD 0.03%). This variant has not been reported in the literature in individuals affected with GRN-related conditions. ClinVar contains an entry for this variant (Variation ID: 323533). Invitae Evidence Modeling of protein sequence and biophysical properties (such as structural, functional, and spatial information, amino acid conservation, physicochemical variation, residue mobility, and thermodynamic stability) indicates that this missense variant is expected to disrupt GRN protein function with a positive predictive value of 80%. In summary, the available evidence is currently insufficient to determine the role of this variant in disease. Therefore, it has been classified as a Variant of Uncertain Significance.

Fulgent Genetics
Classification: Uncertain significance for GRN-related frontotemporal lobar degeneration with Tdp43 inclusions; Neuronal ceroid lipofuscinosis 11. Last evaluated: 2021-07-14. Review status: criteria provided, single submitter. Criteria: ACMG Guidelines, 2015. Collection method: clinical testing. Allele origin: unknown.

Illumina Laboratory Services, Illumina
Classification: Uncertain significance for GRN-related frontotemporal lobar degeneration with Tdp43 inclusions. Last evaluated: 2018-01-13. Review status: criteria provided, single submitter. Criteria: ICSL Variant Classification Criteria 13 December 2019. Collection method: clinical testing. Allele origin: germline.